The following is an entry in ClinVar:

ClinVar aggregate classification (germline): Uncertain significance. Review status: reviewed by expert panel (3 of 4 stars). 2 submissions from 2 submitters: Uncertain significance (1). 1 of the submissions does not count toward it. Last evaluated 2024-11-13.

Conditions:
Hereditary thrombocytopenia and hematologic cancer predisposition syndrome. Identifiers: Orphanet 71290, MedGen CN281654, MONDO:0011071.
Hereditary thrombocytopenia and hematological cancer predisposition syndrome associated with RUNX1. Also called: Familial Platelet Disorder with Propensity to Acute Myelogenous Leukemia; Familial thrombocytopenia with propensity to acute myelogenous leukemia; PLATELET DISORDER, ASPIRIN-LIKE; RUNX1 Familial Platelet Disorder with Associated Myeloid Malignancies. Identifiers: Orphanet 71290, MedGen C1832388, MeSH C563324, MONDO:0100083, OMIM 601399.

gnomAD v4.1: 1 of 1,539,060 alleles (0.000065%); highest among the groups gnomAD compares: Non-Finnish European, 0.000087%; no homozygotes.

Submissions (2):

ClinGen Myeloid Malignancy Variant Curation Expert Panel
Classification: Uncertain significance for Hereditary thrombocytopenia and hematologic cancer predisposition syndrome. Last evaluated: 2024-11-13. Review status: reviewed by expert panel. Criteria: ClinGen MyeloMalig ACMG Specifications v2. Collection method: curation. Allele origin: germline. Inheritance: Autosomal dominant inheritance.
Comment: NM_001754.5(RUNX1):c.1280G>T (p.Arg427Leu) is a missense variant which has a REVEL score < 0.50 (0.473) and a SpliceAI score ≤ 0.20 (0.0) (BP4). In summary, the clinical significance of this variant is uncertain. ACMG/AMP criteria applied, as specified by the Myeloid Malignancy Variant Curation Expert Panel for RUNX1: BP4

Labcorp Genetics (formerly Invitae), Labcorp
Classification: Uncertain significance for Hereditary thrombocytopenia and hematological cancer predisposition syndrome associated with RUNX1. Last evaluated: 2020-06-01. Review status: criteria provided, single submitter. Criteria: Invitae Variant Classification Sherloc (09022015). Collection method: clinical testing. Allele origin: germline. Not counted in ClinVar's aggregate classification.
Comment: In summary, this variant is a novel missense change with uncertain impact on protein function. It has been classified as a Variant of Uncertain Significance. Algorithms developed to predict the effect of missense changes on protein structure and function do not agree on the potential impact of this missense change (SIFT: "Tolerated"; PolyPhen-2: "Probably Damaging"; Align-GVGD: "Class C0"). While this variant is not present in population databases the frequency information is unreliable, as metrics indicate poor data quality at this position in the ExAC database. This variant has not been reported in the literature in an individual with a RUNX1-related disease. This sequence change replaces arginine with leucine at codon 427 of the RUNX1 protein (p.Arg427Leu). The arginine residue is highly conserved and there is a moderate physicochemical difference between arginine and leucine.

NM_001754.5(RUNX1):c.1280G>T (p.Arg427Leu)

Gene: RUNX1 (RUNX family transcription factor 1; minus strand). Cytogenetic location: 21q22.12.
Variant type: single nucleotide variant.
Coding change: c.1280G>T on transcript NM_001754.5 (MANE Select); coding-DNA position 1280, G replaced by T.
Protein change: p.Arg427Leu; replaces arginine 427 with leucine.
Molecular consequence: missense variant.
Genome position (GRCh38, 1-based): chr21:34,792,298, C>A on the plus strand (G>T on the coding strand, the complement: RUNX1 is on the minus strand). VCF-style: chr21-34792298-C-A. GRCh37 (hg19) VCF-style: chr21-36164595-C-A.
Other names: NM_001754.5(RUNX1):c.1280G>T; p.Arg427Leu; c.1199G>T, p.Arg400Leu (NM_001001890.3); short protein forms R427L, R400L.
Identifiers: ClinVar variation 409817 (VCV000409817.9), dbSNP rs1060502577, ClinGen allele CA16616506.